The following is an entry in ClinVar:

ClinVar aggregate classification (germline): Benign/Likely benign. Review status: criteria provided, multiple submitters, no conflicts (2 of 4 stars). 2 submissions from 2 submitters: Benign (1); Likely benign (1). Last evaluated 2025-12-30.

Allele frequency attached by ClinVar (database versions not stated): gnomAD exomes 0.00012 and 0.00057; 1000 Genomes Project 30x 0.00016; gnomAD 0.00016 and 0.00020; 1000 Genomes Project 0.00020; TOPMed 0.00034; ExAC 0.00072.
gnomAD v4.1: 207 of 1,571,626 alleles (0.013%); highest among the groups gnomAD compares: East Asian, 0.46%; no homozygotes.

Submissions (2):

Labcorp Genetics (formerly Invitae), Labcorp
Classification: Benign. Last evaluated: 2025-12-30. Review status: criteria provided, single submitter. Criteria: Invitae Variant Classification Sherloc (09022015). Collection method: clinical testing. Allele origin: germline.

CeGaT Center for Human Genetics Tuebingen
Classification: Likely benign. Last evaluated: 2025-09-01. Review status: criteria provided, single submitter. Criteria: CeGaT Center For Human Genetics Tuebingen Variant Classification Criteria Version 2. Collection method: clinical testing. Allele origin: germline. Affected: yes. Observed: 1 variant allele.
Comment: DCHS1: BP4, BP7

NM_003737.4(DCHS1):c.7311A>G (p.Thr2437=)

Gene: DCHS1 (dachsous cadherin-related 1; minus strand). Cytogenetic location: 11p15.4.
Variant type: single nucleotide variant.
Coding change: c.7311A>G on transcript NM_003737.4 (MANE Select); coding-DNA position 7311, A replaced by G.
Protein change: p.Thr2437=; no amino-acid change (threonine 2437 retained).
Molecular consequence: synonymous variant.
Genome position (GRCh38, 1-based): chr11:6,624,365, T>C on the plus strand (A>G on the coding strand, the complement: DCHS1 is on the minus strand). VCF-style: chr11-6624365-T-C. GRCh37 (hg19) VCF-style: chr11-6645596-T-C.
Identifiers: ClinVar variation 731360 (VCV000731360.16), dbSNP rs374435895, ClinGen allele CA5859628.